The following is an entry in ClinVar:

ClinVar aggregate classification (germline): Uncertain significance (1 of 4 stars; one submission).

Conditions:
Ehlers-Danlos syndrome, classic type, 2 (EDSCL2). Also called: Ehlers-Danlos syndrome, type 2; Ehlers-Danlos syndrome type 2 (formerly); Ehlers-Danlos Syndrome, Classic Type, COL5A2-Related. Identifiers: Orphanet 287, Orphanet 90318, MedGen C0268336, MONDO:0019568, OMIM 130010.

Submission:

Juno Genomics, Hangzhou Juno Genomics, Inc
Classification: Uncertain significance for Ehlers-Danlos syndrome, classic type, 2. Review status: criteria provided, single submitter. Criteria: ACMG Guidelines, 2015. Collection method: clinical testing. Allele origin: germline.
Comment: Absent from controls (or at extremely low frequency if recessive) in Genome Aggregation Database.;Null variant in a gene where loss of function (LOF) is a known mechanism of disease.;De novo (both maternity and paternity confirmed) in a patient with the disease and no family history.

NM_000393.5(COL5A2):c.745-2A>G

Gene: COL5A2 (collagen type V alpha 2 chain; minus strand). Cytogenetic location: 2q32.2.
Variant type: single nucleotide variant.
Coding change: c.745-2A>G on transcript NM_000393.5 (MANE Select); the canonical splice acceptor site of the intron before coding-DNA position 745, A replaced by G.
Molecular consequence: splice acceptor variant.
Genome position (GRCh38, 1-based): chr2:189,085,215, T>C on the plus strand (A>G on the coding strand, the complement: COL5A2 is on the minus strand). VCF-style: chr2-189085215-T-C. GRCh37 (hg19) VCF-style: chr2-189949941-T-C.
Identifiers: ClinVar variation 5006178 (VCV005006178.2).